The following is an entry in ClinVar:

NM_001211.6(BUB1B):c.1594G>T (p.Asp532Tyr)

Gene: BUB1B (BUB1 mitotic checkpoint serine/threonine kinase B; plus strand). Cytogenetic location: 15q15.1.
Variant type: single nucleotide variant.
Coding change: c.1594G>T on transcript NM_001211.6 (MANE Select); coding-DNA position 1594, G replaced by T.
Protein change: p.Asp532Tyr; replaces aspartic acid 532 with tyrosine.
Molecular consequence: missense variant.
Genome position (GRCh38, 1-based): chr15:40,202,431, G>T. VCF-style: chr15-40202431-G-T. GRCh37 (hg19) VCF-style: chr15-40494632-G-T.
Other names: short protein forms D532Y.
Identifiers: ClinVar variation 4600679 (VCV004600679.1).

ClinVar aggregate classification (germline): Uncertain significance (1 of 4 stars; one submission).

Conditions:
Inborn genetic diseases. Identifiers: MedGen C0950123, MeSH D030342.

Submission:

Ambry Genetics
Classification: Uncertain significance for Inborn genetic diseases. Last evaluated: 2025-12-13. Review status: criteria provided, single submitter. Criteria: Ambry Variant Classification Scheme 2023. Collection method: clinical testing. Allele origin: germline.
Comment: The p.D532Y variant (also known as c.1594G>T), located in coding exon 13 of the BUB1B gene, results from a G to T substitution at nucleotide position 1594. The aspartic acid at codon 532 is replaced by tyrosine, an amino acid with highly dissimilar properties. This amino acid position is conserved. In addition, the in silico prediction for this alteration is inconclusive. Based on the available evidence, the clinical significance of this variant remains unclear.